The following is an entry in ClinVar:

ClinVar aggregate classification (germline): Pathogenic (1 of 4 stars; one submission).

Conditions:
Peroxisome biogenesis disorder 12A (Zellweger). Also called: Peroxisome biogenesis disorder 12A. Identifiers: Orphanet 912, MedGen C3554002, MONDO:0013951, OMIM 614886.

Allele frequency attached by ClinVar (database versions not stated): gnomAD exomes below 0.00001 and 0.00001; TOPMed below 0.00001; gnomAD 0.00001.

Submission:

Labcorp Genetics (formerly Invitae), Labcorp
Classification: Pathogenic for Peroxisome biogenesis disorder 12A (Zellweger). Last evaluated: 2021-05-01. Review status: criteria provided, single submitter. Criteria: Invitae Variant Classification Sherloc (09022015). Collection method: clinical testing. Allele origin: germline.
Comment: For these reasons, this variant has been classified as Pathogenic. This variant has not been reported in the literature in individuals with PEX19-related conditions. This variant is not present in population databases (ExAC no frequency). This sequence change creates a premature translational stop signal (p.Ser134Lysfs*9) in the PEX19 gene. It is expected to result in an absent or disrupted protein product. Loss-of-function variants in PEX19 are known to be pathogenic (PMID: 10051604, 20683989, 21031596).

Literature cited by the submitters: PubMed 10051604; PubMed 20683989; PubMed 21031596.

NM_002857.4(PEX19):c.398dup (p.Ser134fs)

Gene: PEX19 (peroxisomal biogenesis factor 19; minus strand). Cytogenetic location: 1q23.2.
Variant type: Duplication.
Coding change: c.398dup on transcript NM_002857.4 (MANE Select); coding-DNA position 398, one base duplicated (T; older notation c.398dupT).
Protein change: p.Ser134fs; shifts the reading frame from serine 134.
Molecular consequence: frameshift variant. On other transcripts: non-coding transcript variant (1).
Genome position (GRCh38, 1-based): chr1:160,282,451, A duplicated on the plus strand (T on the coding strand, the reverse complement: PEX19 is on the minus strand). VCF-style (leftmost placement, unchanged base first): chr1-160282450-T-TA. GRCh37 (hg19) VCF-style: chr1-160252240-T-TA.
Other names: c.398dup, p.Ser134fs (NM_001193644.1); short protein forms S134fs.
Identifiers: ClinVar variation 1444009 (VCV001444009.6), dbSNP rs1240816309, ClinGen allele CA526678857.